The following is an entry in ClinVar:

NM_000127.3(EXT1):c.1415T>A (p.Leu472Ter)

Gene: EXT1 (exostosin glycosyltransferase 1; minus strand). Cytogenetic location: 8q24.11.
Variant type: single nucleotide variant.
Coding change: c.1415T>A on transcript NM_000127.3 (MANE Select); coding-DNA position 1415, T replaced by A.
Protein change: p.Leu472Ter; replaces leucine 472 with a stop codon.
Molecular consequence: nonsense.
Genome position (GRCh38, 1-based): chr8:117,822,467, A>T on the plus strand (T>A on the coding strand, the complement: EXT1 is on the minus strand). VCF-style: chr8-117822467-A-T. GRCh37 (hg19) VCF-style: chr8-118834706-A-T.
Other names: short protein forms L472*.
Identifiers: ClinVar variation 4709655 (VCV004709655.1).

ClinVar aggregate classification (germline): Pathogenic (1 of 4 stars; one submission).

Conditions:
Multiple congenital exostosis (EXT). Also called: MULTIPLE CARTILAGINOUS EXOSTOSES; Hereditary multiple exostoses; Hereditary multiple exostosis; Hereditary multiple osteochondromas; Multiple osteochondromas; Multiple exostoses. Identifiers: Orphanet 321, MedGen C0015306, MONDO:0005508, HP:0002762.

Submission:

Labcorp Genetics (formerly Invitae), Labcorp
Classification: Pathogenic for Multiple congenital exostosis. Last evaluated: 2025-07-16. Review status: criteria provided, single submitter. Criteria: Invitae Variant Classification Sherloc (09022015). Collection method: clinical testing. Allele origin: germline.
Comment: This sequence change creates a premature translational stop signal (p.Leu472*) in the EXT1 gene. It is expected to result in an absent or disrupted protein product. Loss-of-function variants in EXT1 are known to be pathogenic (PMID: 10679937, 11391482, 19810120). This variant is not present in population databases (gnomAD no frequency). This premature translational stop signal has been observed in individual(s) with hereditary multiple osteochondromatosis (PMID: 16283885). For these reasons, this variant has been classified as Pathogenic.

Literature cited by the submitters: PubMed 10679937; PubMed 11391482; PubMed 19810120; PubMed 16283885.